The following is an entry in ClinVar:

NM_004984.4(KIF5A):c.396+5C>T

Gene: KIF5A (kinesin family member 5A; plus strand). Cytogenetic location: 12q13.3.
Variant type: single nucleotide variant.
Coding change: c.396+5C>T on transcript NM_004984.4 (MANE Select); 5 bases into the intron after coding-DNA position 396, C replaced by T.
Molecular consequence: intron variant.
Genome position (GRCh38, 1-based): chr12:57,564,217, C>T. VCF-style: chr12-57564217-C-T. GRCh37 (hg19) VCF-style: chr12-57958000-C-T.
Other names: c.130-243C>T (NM_001354705.2).
Identifiers: ClinVar variation 3018503 (VCV003018503.3), dbSNP rs1351826369, ClinGen allele CA605307982.
Genomic context (GRCh38, chr12:57,564,217, plus strand): 5'-GAGACATCTTCAACCACATCTACTCCATGGATGAGAACCTTGAGTTCCACATCAAGGTGA[C>T]CAGGGCACGACAGCTGGGCATTCAGATGGGGACTGGGAGGGGAAGATCTAAAATCTTCCC-3'

ClinVar aggregate classification (germline): Uncertain significance (1 of 4 stars; one submission).

Conditions:
Spastic paraplegia. Identifiers: MedGen C0037772, HP:0001258.

Allele frequency attached by ClinVar (database versions not stated): gnomAD exomes 0.00001.
gnomAD v4.1: 9 of 1,582,482 alleles (0.00057%); highest among the groups gnomAD compares: South Asian, 0.0022%; no homozygotes.

Submission:

Labcorp Genetics (formerly Invitae), Labcorp
Classification: Uncertain significance for Spastic paraplegia. Last evaluated: 2025-08-21. Review status: criteria provided, single submitter. Criteria: Invitae Variant Classification Sherloc (09022015). Collection method: clinical testing. Allele origin: germline.
Comment: This sequence change falls in intron 4 of the KIF5A gene. It does not directly change the encoded amino acid sequence of the KIF5A protein. It affects a nucleotide within the consensus splice site. This variant is present in population databases (no rsID available, gnomAD 0.003%). This variant has not been reported in the literature in individuals affected with KIF5A-related conditions. ClinVar contains an entry for this variant (Variation ID: 3018503). Variants that disrupt the consensus splice site are a relatively common cause of aberrant splicing (PMID: 17576681, 9536098). Algorithms developed to predict the effect of sequence changes on RNA splicing suggest that this variant is not likely to affect RNA splicing. In summary, the available evidence is currently insufficient to determine the role of this variant in disease. Therefore, it has been classified as a Variant of Uncertain Significance.

Literature cited by the submitters: PubMed 17576681; PubMed 9536098.